The following is an entry in ClinVar:

NM_024753.5(TTC21B):c.3614A>G (p.Asp1205Gly)

Gene: TTC21B (tetratricopeptide repeat domain 21B; minus strand). Cytogenetic location: 2q24.3.
Variant type: single nucleotide variant.
Coding change: c.3614A>G on transcript NM_024753.5 (MANE Select); coding-DNA position 3614, A replaced by G.
Protein change: p.Asp1205Gly; replaces aspartic acid 1205 with glycine.
Molecular consequence: missense variant.
Genome position (GRCh38, 1-based): chr2:165,883,864, T>C on the plus strand (A>G on the coding strand, the complement: TTC21B is on the minus strand). VCF-style: chr2-165883864-T-C. GRCh37 (hg19) VCF-style: chr2-166740374-T-C.
Other names: short protein forms D1205G.
Identifiers: ClinVar variation 1389463 (VCV001389463.8), dbSNP rs2105284491, ClinGen allele CA349046691.

ClinVar aggregate classification (germline): Uncertain significance (1 of 4 stars; one submission).

Conditions:
Nephronophthisis. Also called: Juvenile Nephronophthisis. Identifiers: Orphanet 655, MedGen C0687120, MONDO:0019005, HP:0000090.
Jeune thoracic dystrophy. Also called: Jeune syndrome; Infantile thoracic dystrophy; Thoracic pelvic phalangeal dystrophy; Jeune's syndrome; Chondroectodermal dysplasia-like syndrome; Short-rib thoracic dysplasia. Identifiers: Orphanet 474, MedGen C0265275, MONDO:0018770.

Submission:

Labcorp Genetics (formerly Invitae), Labcorp
Classification: Uncertain significance for Jeune thoracic dystrophy; Nephronophthisis. Last evaluated: 2021-04-22. Review status: criteria provided, single submitter. Criteria: Invitae Variant Classification Sherloc (09022015). Collection method: clinical testing. Allele origin: germline.
Comment: Algorithms developed to predict the effect of missense changes on protein structure and function are either unavailable or do not agree on the potential impact of this missense change (SIFT: "Deleterious"; PolyPhen-2: "Probably Damaging"; Align-GVGD: "Class C0"). This sequence change replaces aspartic acid with glycine at codon 1205 of the TTC21B protein (p.Asp1205Gly). The aspartic acid residue is highly conserved and there is a moderate physicochemical difference between aspartic acid and glycine. This variant is not present in population databases (ExAC no frequency). This variant has not been reported in the literature in individuals with TTC21B-related conditions. Algorithms developed to predict the effect of sequence changes on RNA splicing suggest that this variant may create or strengthen a splice site, but this prediction has not been confirmed by published transcriptional studies. In summary, the available evidence is currently insufficient to determine the role of this variant in disease. Therefore, it has been classified as a Variant of Uncertain Significance.